The following is an entry in ClinVar:

NM_024675.4(PALB2):c.106C>T (p.Gln36Ter)

Gene: PALB2 (partner and localizer of BRCA2; minus strand). Cytogenetic location: 16p12.2.
Variant type: single nucleotide variant.
Coding change: c.106C>T on transcript NM_024675.4 (MANE Select); coding-DNA position 106, C replaced by T.
Protein change: p.Gln36Ter; replaces glutamine 36 with a stop codon.
Molecular consequence: nonsense.
Genome position (GRCh38, 1-based): chr16:23,638,072, G>A on the plus strand (C>T on the coding strand, the complement: PALB2 is on the minus strand). VCF-style: chr16-23638072-G-A. GRCh37 (hg19) VCF-style: chr16-23649393-G-A.
Other names: short protein forms Q36*.
Identifiers: ClinVar variation 402288 (VCV000402288.21), dbSNP rs757369748, ClinGen allele CA16609607.

ClinVar aggregate classification (germline): Pathogenic. Review status: criteria provided, multiple submitters, no conflicts (2 of 4 stars). 8 submissions from 8 submitters: Pathogenic (8). Last evaluated 2025-12-29.

Conditions:
Hereditary cancer-predisposing syndrome. Also called: Tumor predisposition; Neoplastic Syndromes, Hereditary; Hereditary Cancer Syndrome; Hereditary neoplastic syndrome. Identifiers: Orphanet 140162, MedGen C0027672, MeSH D009386, MONDO:0015356.
Familial cancer of breast. Also called: BREAST CANCER, FAMILIAL; hereditary breast carcinoma; Hereditary breast cancer. Identifiers: Orphanet 227535, MedGen C0346153, MONDO:0016419, OMIM 114480. Disease mechanism: loss of function.
Pancreatic cancer, susceptibility to, 3. Identifiers: Orphanet 1333, MedGen C3150547, MONDO:0013236, OMIM 613348.
Fanconi anemia complementation group N. Also called: PALB2-Related Fanconi Anemia. Identifiers: Orphanet 84, MedGen C1835817, MONDO:0012565, OMIM 610832. Disease mechanism: loss of function.

Submissions (8):

Center for Genomic Medicine, Rigshospitalet, Copenhagen University Hospital
Classification: Pathogenic. Last evaluated: 2025-12-29. Review status: criteria provided, single submitter. Criteria: ACMG Guidelines, 2015. Collection method: clinical testing. Allele origin: germline.

Labcorp Genetics (formerly Invitae), Labcorp
Classification: Pathogenic for Familial cancer of breast. Last evaluated: 2025-12-01. Review status: criteria provided, single submitter. Criteria: Invitae Variant Classification Sherloc (09022015). Collection method: clinical testing. Allele origin: germline.
Comment: This sequence change creates a premature translational stop signal (p.Gln36*) in the PALB2 gene. It is expected to result in an absent or disrupted protein product. Loss-of-function variants in PALB2 are known to be pathogenic (PMID: 17200668, 17200671, 17200672, 24136930, 25099575). This variant is not present in population databases (gnomAD no frequency). This variant has not been reported in the literature in individuals affected with PALB2-related conditions. ClinVar contains an entry for this variant (Variation ID: 402288). For these reasons, this variant has been classified as Pathogenic.

Myriad Genetics, Inc.
Classification: Pathogenic for Familial cancer of breast. Last evaluated: 2023-09-06. Review status: criteria provided, single submitter. Criteria: Myriad Autosomal Dominant, Autosomal Recessive and X-Linked Classification Criteria (2023). Collection method: clinical testing. Allele origin: unknown.
Comment: This variant is considered pathogenic. This variant creates a termination codon and is predicted to result in premature protein truncation.

Quest Diagnostics Nichols Institute San Juan Capistrano
Classification: Pathogenic. Last evaluated: 2022-11-22. Review status: criteria provided, single submitter. Criteria: Quest Diagnostics criteria. Collection method: clinical testing. Allele origin: unknown.
Comment: This nonsense variant causes the premature termination of PALB2 protein synthesis. This variant has not been reported in large, multi-ethnic general populations. In the published literature, the variant has been reported in individuals with breast cancer in a breast cancer association study (PMID: 33471991 (2021), see also LOVD). Based on the available information, this variant is classified as pathogenic.

Ambry Genetics
Classification: Pathogenic for Hereditary cancer-predisposing syndrome. Last evaluated: 2022-09-08. Review status: criteria provided, single submitter. Criteria: Ambry Variant Classification Scheme 2023. Collection method: clinical testing. Allele origin: germline.
Comment: The p.Q36* pathogenic mutation (also known as c.106C>T), located in coding exon 2 of the PALB2 gene, results from a C to T substitution at nucleotide position 106. This changes the amino acid from a glutamine to a stop codon within coding exon 2. This alteration is expected to result in loss of function by premature protein truncation or nonsense-mediated mRNA decay. As such, this alteration is interpreted as a disease-causing mutation.

Color Diagnostics, LLC DBA Color Health
Classification: Pathogenic for Hereditary cancer-predisposing syndrome. Last evaluated: 2020-01-15. Review status: criteria provided, single submitter. Criteria: ACMG Guidelines, 2015. Collection method: clinical testing. Allele origin: germline.
Comment: This variant is located in the PALB2 protein. Splice site prediction tools suggest that this variant may not impact RNA splicing. This variant has not been identified in the general population by the Genome Aggregation Database (gnomAD). Loss of PALB2 function is a known mechanism of disease. Based on the available evidence, this variant is classified as Pathogenic.

Fulgent Genetics
Classification: Pathogenic for Familial cancer of breast; Fanconi anemia complementation group N; Pancreatic cancer, susceptibility to, 3. Last evaluated: 2018-10-31. Review status: criteria provided, single submitter. Criteria: ACMG Guidelines, 2015. Collection method: clinical testing. Allele origin: unknown.

GeneDx
Classification: Pathogenic. Last evaluated: 2015-01-09. Review status: criteria provided, single submitter. Criteria: GeneDx Variant Classification (06012015). Collection method: clinical testing. Allele origin: germline. Affected: yes.
Comment: This pathogenic variant is denoted PALB2 c.106C>T at the cDNA level and p.Gln36Ter (Q36X) at the protein level. The substitution creates a nonsense variant, which changes a Glutamine to a premature stop codon (CAG>TAG), and is predicted to cause loss of normal protein function through either protein truncation or nonsense-mediated mRNA decay. Although this variant has not, to our knowledge, been reported in the literature, it is considered pathogenic.

Literature cited by the submitters: PubMed 17200668 (cited by Labcorp Genetics (formerly Invitae), Labcorp); PubMed 17200671 (cited by Labcorp Genetics (formerly Invitae), Labcorp); PubMed 17200672 (cited by Labcorp Genetics (formerly Invitae), Labcorp); PubMed 24136930 (cited by Labcorp Genetics (formerly Invitae), Labcorp); PubMed 25099575 (cited by Labcorp Genetics (formerly Invitae), Labcorp); PubMed 36139699 (cited by Quest Diagnostics Nichols Institute San Juan Capistrano); PubMed 33471991 (cited by Quest Diagnostics Nichols Institute San Juan Capistrano).